The following is an entry in ClinVar:

NM_001273.5(CHD4):c.4625C>T (p.Thr1542Ile)

Genes: CHD4 (chromodomain helicase DNA binding protein 4; minus strand), CHD4-AS1 (CHD4 antisense RNA 1; plus strand). Cytogenetic location: 12p13.31.
Variant type: single nucleotide variant.
Coding change: c.4625C>T on transcript NM_001273.5 (MANE Select); coding-DNA position 4625, C replaced by T.
Protein change: p.Thr1542Ile; replaces threonine 1542 with isoleucine.
Molecular consequence: missense variant.
Genome position (GRCh38, 1-based): chr12:6,581,705, G>A on the plus strand (C>T on the coding strand, the complement: CHD4 is on the minus strand). VCF-style: chr12-6581705-G-A. GRCh37 (hg19) VCF-style: chr12-6690871-G-A.
Other names: c.4604C>T, p.Thr1535Ile (NM_001297553.2); c.4586C>T, p.Thr1529Ile (NM_001363606.2); short protein forms T1529I, T1535I, T1542I.
Identifiers: ClinVar variation 2506258 (VCV002506258.1), dbSNP rs375106320, ClinGen allele CA232386818.
Genomic context (GRCh38, chr12:6,581,705, plus strand): 5'-TTACCAGCAGGTGGGACAGGTGCAGGAGTGTTGGGCTGCGTGTCCCCTGGAGTGGAGGGT[G>A]TAGGAGTTTTTGGGGAGGGTGACCCTGGCTGGGACATCTTCTTGTTTTCCTCCACCTCAG-3'
Protein context (NP_001264.2, residues 1532-1552): QPGSPSPKTP[Thr1542Ile]PSTPGDTQPN

ClinVar aggregate classification (germline): Uncertain significance (1 of 4 stars; one submission).

Allele frequency attached by ClinVar (database versions not stated): gnomAD 0.00001; TOPMed 0.00003; ESP Exome Variant Server 0.00008.
gnomAD v4.1: 2 of 1,608,602 alleles (0.00012%); highest among the groups gnomAD compares: Non-Finnish European, 0.00017%; no homozygotes.

Submission:

Women's Health and Genetics/Laboratory Corporation of America, LabCorp
Classification: Uncertain significance. Last evaluated: 2023-05-17. Review status: criteria provided, single submitter. Criteria: LabCorp Variant Classification Summary - May 2015. Collection method: clinical testing. Allele origin: germline.
Comment: Variant summary: CHD4 c.4625C>T (p.Thr1542Ile) results in a non-conservative amino acid change in the encoded protein sequence. Four of five in-silico tools predict a damaging effect of the variant on protein function. The variant was absent in 243526 control chromosomes. The available data on variant occurrences in the general population are insufficient to allow any conclusion about variant significance. To our knowledge, no occurrence of c.4625C>T in individuals affected with Sifrim-Hitz Syndrome and no experimental evidence demonstrating its impact on protein function have been reported. No clinical diagnostic laboratories have submitted clinical-significance assessments for this variant to ClinVar after 2014. Based on the evidence outlined above, the variant was classified as uncertain significance.